The following is an entry in ClinVar:

NM_002439.5(MSH3):c.1363G>A (p.Val455Ile)

Gene: MSH3 (mutS homolog 3; plus strand). Cytogenetic location: 5q14.1.
Variant type: single nucleotide variant.
Coding change: c.1363G>A on transcript NM_002439.5 (MANE Select); coding-DNA position 1363, G replaced by A.
Protein change: p.Val455Ile; replaces valine 455 with isoleucine.
Molecular consequence: missense variant.
Genome position (GRCh38, 1-based): chr5:80,725,475, G>A. VCF-style: chr5-80725475-G-A. GRCh37 (hg19) VCF-style: chr5-80021294-G-A.
Other names: short protein forms V455I.
Identifiers: ClinVar variation 1975511 (VCV001975511.5), dbSNP rs1580587394, ClinGen allele CA360273382.
Genomic context (GRCh38, chr5:80,725,475, plus strand): 5'-GGATAAGTTATCTTTGAAATTTTCCTTTTTTCTTTCAGTGTGCAGGATGACAGAATTCGA[G>A]TCGAAAGGATGGATAACATTTATTTTGAATACAGCCATGCTTTCCAGGCAGTTACAGAGT-3'
Protein context (NP_002430.3, residues 445-465): SVSVQDDRIR[Val455Ile]ERMDNIYFEY

ClinVar aggregate classification (germline): Uncertain significance (1 of 4 stars; one submission).

Submission:

Labcorp Genetics (formerly Invitae), Labcorp
Classification: Uncertain significance. Last evaluated: 2025-12-15. Review status: criteria provided, single submitter. Criteria: Invitae Variant Classification Sherloc (09022015). Collection method: clinical testing. Allele origin: germline.
Comment: This sequence change replaces valine, which is neutral and non-polar, with isoleucine, which is neutral and non-polar, at codon 455 of the MSH3 protein (p.Val455Ile). This variant is not present in population databases (gnomAD no frequency). This variant has not been reported in the literature in individuals affected with MSH3-related conditions. ClinVar contains an entry for this variant (Variation ID: 1975511). An algorithm developed to predict the effect of missense changes on protein structure and function outputs the following: PolyPhen-2: "Benign". The isoleucine amino acid residue is found in multiple mammalian species, which suggests that this missense change does not adversely affect protein function. In summary, the available evidence is currently insufficient to determine the role of this variant in disease. Therefore, it has been classified as a Variant of Uncertain Significance.